The following is an entry in ClinVar:

NM_018670.4(MESP1):c.143C>A (p.Ala48Asp)

Genes: MESP1 (mesoderm posterior bHLH transcription factor 1; minus strand), LOC130057889 (ATAC-STARR-seq lymphoblastoid silent region 6804; plus strand). Cytogenetic location: 15q26.1.
Variant type: single nucleotide variant.
Coding change: c.143C>A on transcript NM_018670.4 (MANE Select); coding-DNA position 143, C replaced by A.
Protein change: p.Ala48Asp; replaces alanine 48 with aspartic acid.
Molecular consequence: missense variant.
Genome position (GRCh38, 1-based): chr15:89,751,089, G>T on the plus strand (C>A on the coding strand, the complement: MESP1 is on the minus strand). VCF-style: chr15-89751089-G-T. GRCh37 (hg19) VCF-style: chr15-90294320-G-T.
Other names: short protein forms A48D.
Identifiers: ClinVar variation 4730224 (VCV004730224.1).
Genomic context (GRCh38, chr15:89,751,089, plus strand): 5'-GAGGGGGCGCGGGGGTCCCGGAGGGTGCCTGGCCGCGCGGGGCTCGCCACGGGGCTGTCG[G>T]CTGGGGTGCTGCCCCATGAGTCTGGGGACGAGACGAGGGAGCGGCCGCAGTCCTTGTCGG-3'
Protein context (NP_061140.1, residues 38-58): SSPDSWGSTP[Ala48Asp]DSPVASPARP

ClinVar aggregate classification (germline): Uncertain significance (1 of 4 stars; one submission).

Submission:

Labcorp Genetics (formerly Invitae), Labcorp
Classification: Uncertain significance. Last evaluated: 2025-10-29. Review status: criteria provided, single submitter. Criteria: Invitae Variant Classification Sherloc (09022015). Collection method: clinical testing. Allele origin: germline.
Comment: This sequence change replaces alanine, which is neutral and non-polar, with aspartic acid, which is acidic and polar, at codon 48 of the MESP1 protein (p.Ala48Asp). This variant is not present in population databases (gnomAD no frequency). This variant has not been reported in the literature in individuals affected with MESP1-related conditions. An algorithm developed to predict the effect of missense changes on protein structure and function (PolyPhen-2) suggests that this variant is likely to be tolerated. In summary, the available evidence is currently insufficient to determine the role of this variant in disease. Therefore, it has been classified as a Variant of Uncertain Significance.